The following is an entry in ClinVar:

NM_152722.5(HEPACAM):c.877+14C>T

Gene: HEPACAM (hepatic and glial cell adhesion molecule; minus strand). Cytogenetic location: 11q24.2.
Variant type: single nucleotide variant.
Coding change: c.877+14C>T on transcript NM_152722.5 (MANE Select); 14 bases into the intron after coding-DNA position 877, C replaced by T.
Molecular consequence: intron variant.
Genome position (GRCh38, 1-based): chr11:124,922,731, G>A on the plus strand (C>T on the coding strand, the complement: HEPACAM is on the minus strand). VCF-style: chr11-124922731-G-A. GRCh37 (hg19) VCF-style: chr11-124792627-G-A.
Identifiers: ClinVar variation 262682 (VCV000262682.16), dbSNP rs11826299, ClinGen allele CA6345620.

ClinVar aggregate classification (germline): Benign. Review status: criteria provided, multiple submitters, no conflicts (2 of 4 stars). 5 submissions from 5 submitters: Benign (5). Last evaluated 2026-02-02.

Conditions:
Megalencephalic leukoencephalopathy with subcortical cysts. Also called: VAN DER KNAAP DISEASE. Identifiers: Orphanet 2478, MedGen C1858854, MONDO:0011391.

Allele frequency attached by ClinVar (database versions not stated): gnomAD exomes 0.09603 and 0.10248; ExAC 0.10635; 1000 Genomes Project 0.14297; gnomAD 0.14727 and 0.15246; 1000 Genomes Project 30x 0.14881; ESP Exome Variant Server 0.15392; TOPMed 0.15393.

Submissions (5):

Labcorp Genetics (formerly Invitae), Labcorp
Classification: Benign. Last evaluated: 2026-02-02. Review status: criteria provided, single submitter. Criteria: Invitae Variant Classification Sherloc (09022015). Collection method: clinical testing. Allele origin: germline.

GeneDx
Classification: Benign. Last evaluated: 2018-07-21. Review status: criteria provided, single submitter. Criteria: GeneDx Variant Classification Process June 2021. Collection method: clinical testing. Allele origin: germline. Affected: yes.

Illumina Laboratory Services, Illumina
Classification: Benign for Megalencephalic leukoencephalopathy with subcortical cysts. Last evaluated: 2018-01-13. Review status: criteria provided, single submitter. Criteria: ICSL Variant Classification Criteria 13 December 2019. Collection method: clinical testing. Allele origin: germline.
Comment: This variant was observed in the ICSL laboratory as part of a predisposition screen in an ostensibly healthy population. It had not been previously curated by ICSL or reported in the Human Gene Mutation Database (HGMD: prior to June 1st, 2018), and was therefore a candidate for classification through an automated scoring system. Utilizing variant allele frequency, disease prevalence and penetrance estimates, and inheritance mode, an automated score was calculated to assess if this variant is too frequent to cause the disease. Based on the score and internal cut-off values, a variant classified as benign is not then subjected to further curation. The score for this variant resulted in a classification of benign for this disease.

Breakthrough Genomics
Classification: Benign. Review status: criteria provided, single submitter. Criteria: ACMG Guidelines, 2015. Collection method: not provided. Allele origin: germline. Inheritance: Autosomal recessive inheritance. Affected: yes.

PreventionGenetics, part of Exact Sciences
Classification: Benign. Review status: criteria provided, single submitter. Criteria: ACMG Guidelines, 2015. Collection method: clinical testing. Allele origin: germline.